The following is an entry in ClinVar:

ClinVar aggregate classification (germline): Likely benign (1 of 4 stars; one submission).

Allele frequency attached by ClinVar (database versions not stated): 1000 Genomes Project 0.00280; 1000 Genomes Project 30x 0.00297; ExAC 0.00342; gnomAD 0.00398; ESP Exome Variant Server 0.00408; TOPMed 0.00439; gnomAD exomes 0.00569.
gnomAD v4.1: 8,857 of 1,613,174 alleles (0.55%); highest among the groups gnomAD compares: Non-Finnish European, 0.68%; 29 homozygotes.

Submission:

CeGaT Center for Human Genetics Tuebingen
Classification: Likely benign. Last evaluated: 2022-10-01. Review status: criteria provided, single submitter. Criteria: CeGaT Center For Human Genetics Tuebingen Variant Classification Criteria Version 2. Collection method: clinical testing. Allele origin: germline. Affected: yes. Observed: 1 variant allele.
Comment: ZNF607: BP4, BP7

NM_032689.5(ZNF607):c.1338C>T (p.Tyr446=)

Gene: ZNF607 (zinc finger protein 607; minus strand). Cytogenetic location: 19q13.12.
Variant type: single nucleotide variant.
Coding change: c.1338C>T on transcript NM_032689.5 (MANE Select); coding-DNA position 1338, C replaced by T.
Protein change: p.Tyr446=; no amino-acid change (tyrosine 446 retained).
Molecular consequence: synonymous variant.
Genome position (GRCh38, 1-based): chr19:37,698,793, G>A on the plus strand (C>T on the coding strand, the complement: ZNF607 is on the minus strand). VCF-style: chr19-37698793-G-A. GRCh37 (hg19) VCF-style: chr19-38189694-G-A.
Other names: c.1335C>T, p.Tyr445= (NM_001172677.1, NM_001375895.1).
Identifiers: ClinVar variation 2649774 (VCV002649774.24), dbSNP rs117357379, ClinGen allele CA9407628.